The following is an entry in ClinVar:

ClinVar aggregate classification (germline): Pathogenic (1 of 4 stars; one submission).

Conditions:
Glycogen storage disease, type IV (GSD4). Also called: AMYLOPECTINOSIS; ANDERSEN DISEASE; BRANCHER DEFICIENCY; CIRRHOSIS, FAMILIAL, WITH DEPOSITION OF ABNORMAL GLYCOGEN; GBE1 DEFICIENCY; GLYCOGEN BRANCHING ENZYME DEFICIENCY. Identifiers: Orphanet 367, MedGen C0017923, MONDO:0009292, OMIM 232500.

Submission:

Myriad Genetics, Inc.
Classification: Pathogenic for Glycogen storage disease, type IV. Last evaluated: 2024-05-14. Review status: criteria provided, single submitter. Criteria: Myriad Autosomal Dominant, Autosomal Recessive and X-Linked Classification Criteria (2023). Collection method: clinical testing. Allele origin: unknown.
Comment: NM_000158.3(GBE1):c.1339del1ins6(L447Kfs*16) is expected to be pathogenic in the context of glycogen storage disease, GBE1-related. This variant is predicted to lead to an abnormal or absent protein product due to the creation of a premature termination codon in GBE1, a gene where loss-of-function variants are known to be pathogenic. Please note: this variant was assessed in the context of healthy population screening.

NM_000158.4(GBE1):c.1339delinsAAGAGT (p.Leu447fs)

Gene: GBE1 (1,4-alpha-glucan branching enzyme 1; minus strand). Cytogenetic location: 3p12.2.
Variant type: Indel.
Coding change: c.1339delinsAAGAGT on transcript NM_000158.4 (MANE Select); coding-DNA position 1339, C replaced by AAGAGT.
Protein change: p.Leu447fs; shifts the reading frame from leucine 447.
Molecular consequence: frameshift variant.
Genome position (GRCh38, 1-based): chr3:81,581,272, G replaced by ACTCTT on the plus strand (C replaced by AAGAGT on the coding strand, the reverse complement: GBE1 is on the minus strand). VCF-style: chr3-81581272-G-ACTCTT. GRCh37 (hg19) VCF-style: chr3-81630423-G-ACTCTT.
Other names: short protein forms L447fs.
Identifiers: ClinVar variation 5010764 (VCV005010764.1).